The following is an entry in ClinVar:

NM_000465.4(BARD1):c.1315-18T>C

Gene: BARD1 (BRCA1 associated RING domain 1; minus strand). Cytogenetic location: 2q35.
Variant type: single nucleotide variant.
Coding change: c.1315-18T>C on transcript NM_000465.4 (MANE Select); 18 bases into the intron before coding-DNA position 1315, T replaced by C.
Molecular consequence: intron variant.
Genome position (GRCh38, 1-based): chr2:214,769,330, A>G on the plus strand (T>C on the coding strand, the complement: BARD1 is on the minus strand). VCF-style: chr2-214769330-A-G. GRCh37 (hg19) VCF-style: chr2-215634054-A-G.
Other names: c.159-16775T>C (NM_001282548.2); c.1258-18T>C (NM_001282543.2); c.216-16775T>C (NM_001282545.2); c.364+22967T>C (NM_001282549.2).
Identifiers: ClinVar variation 3378938 (VCV003378938.1).

ClinVar aggregate classification (germline): Likely benign (1 of 4 stars; one submission).

Conditions:
Familial cancer of breast. Also called: hereditary breast carcinoma; Hereditary breast cancer; BREAST CANCER, FAMILIAL. Identifiers: Orphanet 227535, MedGen C0346153, MONDO:0016419, OMIM 114480. Disease mechanism: loss of function.

gnomAD v4.1: 1 of 1,592,776 alleles (0.000063%); highest among the groups gnomAD compares: South Asian, 0.0011%; no homozygotes.

Submission:

Myriad Genetics, Inc.
Classification: Likely benign for Familial cancer of breast. Last evaluated: 2024-07-24. Review status: criteria provided, single submitter. Criteria: Myriad Autosomal Dominant, Autosomal Recessive and X-Linked Classification Criteria (2023). Collection method: clinical testing. Allele origin: unknown.
Comment: This variant is considered likely benign. This variant is intronic and is not expected to impact mRNA splicing.